The following is an entry in ClinVar:

NM_000132.4(F8):c.3980C>T (p.Thr1327Met)

Gene: F8 (coagulation factor VIII; minus strand). Cytogenetic location: Xq28.
Variant type: single nucleotide variant.
Coding change: c.3980C>T on transcript NM_000132.4 (MANE Select); coding-DNA position 3980, C replaced by T.
Protein change: p.Thr1327Met; replaces threonine 1327 with methionine.
Molecular consequence: missense variant.
Genome position (GRCh38, 1-based): chrX:154,929,810, G>A on the plus strand (C>T on the coding strand, the complement: F8 is on the minus strand). VCF-style: chrX-154929810-G-A. GRCh37 (hg19) VCF-style: chrX-154158085-G-A.
Other names: short protein forms T1327M.
Identifiers: ClinVar variation 627058 (VCV000627058.3), dbSNP rs200520711, ClinGen allele CA10568159.
Genomic context (GRCh38, chrX:154,929,810, plus strand): 5'-TCAAGTTCTGTTTCTTCTAGTGGGAGTCTGAATTGTTTCAAAGCTCTCTTACTACGTTGC[G>A]TGACAAAATTCTGCTGGCTTGTATTAGGAGATATCCTTGTGGTGCATGCATATTTCTCTA-3'
Protein context (NP_000123.1, residues 1317-1337): SPNTSQQNFV[Thr1327Met]QRSKRALKQF

ClinVar aggregate classification (germline): Conflicting classifications of pathogenicity. Review status: criteria provided, conflicting classifications (1 of 4 stars). 2 submissions from 2 submitters: Uncertain significance (1); Likely benign (1). Last evaluated 2026-04-15.

Conditions:
Hereditary factor IX deficiency disease (HEMB). Also called: Christmas Disease; F9 DEFICIENCY; FACTOR IX DEFICIENCY; PLASMA THROMBOPLASTIN COMPONENT DEFICIENCY; Hemophilia B. Identifiers: Orphanet 98879, MedGen C0008533, MeSH D002836, MONDO:0010604, OMIM 306900.

Allele frequency attached by ClinVar (database versions not stated): gnomAD 0.00012 and 0.00011; gnomAD exomes 0.00049 and 0.00010; ExAC 0.00009; ESP Exome Variant Server 0.00009; TOPMed 0.00010.
gnomAD v4.1: 535 of 1,209,828 alleles (0.044%); highest among the groups gnomAD compares: Non-Finnish European, 0.058%; no homozygotes.

Submissions (2):

Women's Health and Genetics/Laboratory Corporation of America, LabCorp
Classification: Likely benign. Last evaluated: 2026-04-15. Review status: criteria provided, single submitter. Criteria: LabCorp Variant Classification Summary - May 2015. Collection method: clinical testing. Allele origin: germline.
Comment: Variant summary: F8 c.3980C>T (p.Thr1327Met) results in a non-conservative amino acid change in the encoded protein sequence. Algorithms developed to predict the effect of missense changes on protein structure and function are either unavailable or do not agree on the potential impact of this missense change. The variant allele was found at a frequency of 9.8e-05 in 183261 control chromosomes, predominantly at a frequency of 0.00021 within the Non-Finnish European subpopulation in the gnomAD database v2 database. This frequency is not significantly higher than estimated for disease-causing variants in F8, allowing no conclusion about variant significance. However a total of 167 hemizygotes of this variant were reported in gnomAD v4 database. c.3980C>T has been observed in individual(s) affected with venous thromboembolism andCoagulation disorder (Athar_2021, Downes_2019). These report(s) do not provide unequivocal conclusions about association of the variant with Factor VIII Deficiency (Hemophilia A). To our knowledge, no experimental evidence demonstrating an impact on protein function has been reported. The following publications have been ascertained in the context of this evaluation (PMID: 34015304, 31064749). ClinVar contains an entry for this variant (Variation ID: 627058). Based on the evidence outlined above, the variant was classified as likely benign.

NIHR Bioresource Rare Diseases, University of Cambridge
Classification: Uncertain significance for Hereditary factor IX deficiency disease. Last evaluated: 2019-02-01. Review status: criteria provided, single submitter. Criteria: ACMG Guidelines, 2015. Collection method: research. Allele origin: unknown. Affected: yes. Observed: 1 hemizygote. Study: ThromboGenomics.

Literature cited by the submitters: PubMed 31064749 (cited by Women's Health and Genetics/Laboratory Corporation of America, LabCorp and NIHR Bioresource Rare Diseases, University of Cambridge); PubMed 34015304 (cited by Women's Health and Genetics/Laboratory Corporation of America, LabCorp).